The following is an entry in ClinVar:

NM_003718.5(CDK13):c.149_166dup (p.Pro55_Pro56insGlnProProProProPro)

Gene: CDK13 (cyclin dependent kinase 13; plus strand). Cytogenetic location: 7p14.1.
Variant type: Duplication.
Coding change: c.149_166dup on transcript NM_003718.5 (MANE Select); coding-DNA positions 149 to 166, 18 bases duplicated (AACCGCCGCCGCCCCCGC).
Protein change: p.Pro55_Pro56insGlnProProProProPro.
Molecular consequence: inframe indel (on NM_031267.4).
Genome position (GRCh38, 1-based): chr7:39,950,790-39,950,807, AACCGCCGCCGCCCCCGC duplicated; duplicating any 18 consecutive bases within chr7:39,950,788-39,950,807 gives the same sequence; the c. name uses the placement nearest the transcript's 3' end. VCF-style (leftmost placement, unchanged base first): chr7-39950787-T-TGCAACCGCCGCCGCCCCC. GRCh37 (hg19) VCF-style: chr7-39990386-T-TGCAACCGCCGCCGCCCCC.
Other names: c.149_166dup, p.Pro55_Pro56insGlnProProProProPro (NM_031267.4).
Identifiers: ClinVar variation 4086664 (VCV004086664.1).

ClinVar aggregate classification (germline): Uncertain significance (1 of 4 stars; one submission).

Submission:

GeneDx
Classification: Uncertain significance. Last evaluated: 2025-03-20. Review status: criteria provided, single submitter. Criteria: GeneDx Variant Classification Process June 2021. Collection method: clinical testing. Allele origin: germline. Affected: yes.
Comment: Not observed at significant frequency in large population cohorts (gnomAD); In-frame duplication of 6 amino acid(s) in a non-repeat region; Has not been previously published as pathogenic or benign to our knowledge